The following is an entry in ClinVar:

ClinVar aggregate classification (germline): Uncertain significance (1 of 4 stars; one submission).

Conditions:
Primary ciliary dyskinesia. Also called: Ciliary dyskinesia. Identifiers: Orphanet 244, MedGen C0008780, MONDO:0016575, HP:0012265.

Allele frequency attached by ClinVar (database versions not stated): gnomAD exomes below 0.00001.
gnomAD v4.1: 1 of 1,533,920 alleles (0.000065%); highest among the groups gnomAD compares: South Asian, 0.0013%; no homozygotes.

Submission:

Ambry Genetics
Classification: Uncertain significance for Primary ciliary dyskinesia. Last evaluated: 2017-05-05. Review status: criteria provided, single submitter. Criteria: Ambry Variant Classification Scheme 2023. Collection method: clinical testing. Allele origin: germline.
Comment: The p.T296I variant (also known as c.887C>T), located in coding exon 6 of the ARMC4 gene, results from a C to T substitution at nucleotide position 887. The threonine at codon 296 is replaced by isoleucine, an amino acid with similar properties. This amino acid position is not well conserved in available vertebrate species. In addition, this alteration is predicted to be tolerated by in silico analysis. Since supporting evidence is limited at this time, the clinical significance of this alteration remains unclear.

NM_018076.5(ODAD2):c.887C>T (p.Thr296Ile)

Gene: ODAD2 (outer dynein arm docking complex subunit 2; minus strand). Cytogenetic location: 10p12.1.
Variant type: single nucleotide variant.
Coding change: c.887C>T on transcript NM_018076.5 (MANE Select); coding-DNA position 887, C replaced by T.
Protein change: p.Thr296Ile; replaces threonine 296 with isoleucine.
Molecular consequence: missense variant. On other transcripts: 5 prime UTR variant (2).
Genome position (GRCh38, 1-based): chr10:27,981,515, G>A on the plus strand (C>T on the coding strand, the complement: ODAD2 is on the minus strand). VCF-style: chr10-27981515-G-A. GRCh37 (hg19) VCF-style: chr10-28270444-G-A.
Other names: c.887C>T, p.Thr296Ile (NM_001290020.2); c.-237C>T (NM_001290021.2); c.-38C>T (NM_001312689.2); short protein forms T296I.
Identifiers: ClinVar variation 1799709 (VCV001799709.2), dbSNP rs2494332085, ClinGen allele CA376395344.
Genomic context (GRCh38, chr10:27,981,515, plus strand): 5'-ATAAAACTTACCAATTTAGACATATTTTCTGAAAATTTTGGTGATTTTTCTCTTAAAAAT[G>A]TGACAAGGTTTTTATAAATTGAACCTTTTCTCTCATAATTAACGTCCCCTTCATCATCTG-3'
Protein context (NP_060546.2, residues 286-306): RKGSIYKNLV[Thr296Ile]FLREKSPKFS